The following is an entry in ClinVar:

ClinVar aggregate classification (germline): Uncertain significance (1 of 4 stars; one submission).

Conditions:
Primary immunodeficiency with post-measles-mumps-rubella vaccine viral infection. Also called: Immunodeficiency 44. Identifiers: Orphanet 431166, MedGen C4225260, MONDO:0014715, OMIM 616636.

Allele frequency attached by ClinVar (database versions not stated): TOPMed below 0.00001.

Submission:

Labcorp Genetics (formerly Invitae), Labcorp
Classification: Uncertain significance for Primary immunodeficiency with post-measles-mumps-rubella vaccine viral infection. Last evaluated: 2019-05-06. Review status: criteria provided, single submitter. Criteria: Invitae Variant Classification Sherloc (09022015). Collection method: clinical testing. Allele origin: germline.
Comment: In summary, the available evidence is currently insufficient to determine the role of this variant in disease. Therefore, it has been classified as a Variant of Uncertain Significance. Algorithms developed to predict the effect of missense changes on protein structure and function are either unavailable or do not agree on the potential impact of this missense change (SIFT: "Tolerated"; PolyPhen-2: "Possibly Damaging"; Align-GVGD: "Class C0"). This variant has not been reported in the literature in individuals with STAT2-related conditions. This variant is not present in population databases (ExAC no frequency). This sequence change replaces glutamic acid with lysine at codon 114 of the STAT2 protein (p.Glu114Lys). The glutamic acid residue is moderately conserved and there is a small physicochemical difference between glutamic acid and lysine.

NM_005419.4(STAT2):c.340G>A (p.Glu114Lys)

Gene: STAT2 (signal transducer and activator of transcription 2; minus strand). Cytogenetic location: 12q13.3.
Variant type: single nucleotide variant.
Coding change: c.340G>A on transcript NM_005419.4 (MANE Select); coding-DNA position 340, G replaced by A.
Protein change: p.Glu114Lys; replaces glutamic acid 114 with lysine.
Molecular consequence: missense variant.
Genome position (GRCh38, 1-based): chr12:56,355,749, C>T on the plus strand (G>A on the coding strand, the complement: STAT2 is on the minus strand). VCF-style: chr12-56355749-C-T. GRCh37 (hg19) VCF-style: chr12-56749533-C-T.
Other names: c.328G>A, p.Glu110Lys (NM_198332.2); short protein forms E110K, E114K.
Identifiers: ClinVar variation 845939 (VCV000845939.9), dbSNP rs1592490011, ClinGen allele CA385263557.